The following is an entry in ClinVar:

ClinVar aggregate classification (germline): Pathogenic (1 of 4 stars; one submission).

Allele frequency attached by ClinVar (database versions not stated): gnomAD exomes below 0.00001; TOPMed below 0.00001.
gnomAD v4.1: 4 of 1,613,968 alleles (0.00025%); highest among the groups gnomAD compares: Non-Finnish European, 0.00025%; no homozygotes.

Submission:

Labcorp Genetics (formerly Invitae), Labcorp
Classification: Pathogenic. Last evaluated: 2022-06-13. Review status: criteria provided, single submitter. Criteria: Invitae Variant Classification Sherloc (09022015). Collection method: clinical testing. Allele origin: germline.
Comment: This sequence change creates a premature translational stop signal (p.Arg948*) in the C2CD3 gene. It is expected to result in an absent or disrupted protein product. Loss-of-function variants in C2CD3 are known to be pathogenic (PMID: 24997988, 26477546). This variant is not present in population databases (gnomAD no frequency). This variant has not been reported in the literature in individuals affected with C2CD3-related conditions. For these reasons, this variant has been classified as Pathogenic.

Literature cited by the submitters: PubMed 24997988; PubMed 26477546.

NM_001286577.2(C2CD3):c.2842C>T (p.Arg948Ter)

Gene: C2CD3 (C2 domain containing 3 centriole elongation regulator; minus strand). Cytogenetic location: 11q13.4.
Variant type: single nucleotide variant.
Coding change: c.2842C>T on transcript NM_001286577.2 (MANE Select); coding-DNA position 2842, C replaced by T.
Protein change: p.Arg948Ter; replaces arginine 948 with a stop codon.
Molecular consequence: nonsense.
Genome position (GRCh38, 1-based): chr11:74,098,146, G>A on the plus strand (C>T on the coding strand, the complement: C2CD3 is on the minus strand). VCF-style: chr11-74098146-G-A. GRCh37 (hg19) VCF-style: chr11-73809191-G-A.
Other names: c.2842C>T, p.Arg948Ter (NM_015531.6); short protein forms R948*.
Identifiers: ClinVar variation 1454437 (VCV001454437.6), dbSNP rs1437215284, ClinGen allele CA381829884.